The following is an entry in ClinVar:

ClinVar aggregate classification (germline): Uncertain significance (1 of 4 stars; one submission).

Conditions:
Intellectual developmental disorder, autosomal recessive 37. Also called: Intellectual disability-hypotonia-spasticity-sleep disorder syndrome. Identifiers: Orphanet 356996, MedGen C3809672, MONDO:0014210, OMIM 615493.

Submission:

Clinical Genomics Laboratory, Washington University in St. Louis
Classification: Uncertain significance for Intellectual developmental disorder, autosomal recessive 37. Last evaluated: 2025-12-29. Review status: criteria provided, single submitter. Criteria: ACMG Guidelines, 2015. Collection method: clinical testing. Allele origin: germline.
Comment: The ANK3 c.3041G>A (p.Cys1014Tyr) variant, to our knowledge, has not been reported in the medical literature. This variant is absent from the general population (gnomAD v2.1.1), indicating it is not a common variant. Computational predictors are uncertain as to the impact of this variant on ANK3 function. Due to limited information, and based on ACMG/AMP guidelines for variant interpretation (Richards S et al., PMID: 25741868), the clinical significance of this variant is uncertain at this time.

NM_020987.5(ANK3):c.3041G>A (p.Cys1014Tyr)

Gene: ANK3 (ankyrin 3; minus strand). Cytogenetic location: 10q21.2.
Variant type: single nucleotide variant.
Coding change: c.3041G>A on transcript NM_020987.5 (MANE Select); coding-DNA position 3041, G replaced by A.
Protein change: p.Cys1014Tyr; replaces cysteine 1014 with tyrosine.
Molecular consequence: missense variant.
Genome position (GRCh38, 1-based): chr10:60,108,962, C>T on the plus strand (G>A on the coding strand, the complement: ANK3 is on the minus strand). VCF-style: chr10-60108962-C-T. GRCh37 (hg19) VCF-style: chr10-61868720-C-T.
Other names: c.443G>A, p.Cys148Tyr (NM_001149.4); c.3023G>A, p.Cys1008Tyr (NM_001204403.2); c.3044G>A, p.Cys1015Tyr (NM_001204404.2); c.3041G>A, p.Cys1014Tyr (NM_001320874.2); short protein forms C1008Y, C1014Y, C1015Y, C148Y.
Identifiers: ClinVar variation 4879206 (VCV004879206.1).